The following is an entry in ClinVar:

NM_000843.4(GRM6):c.222C>A (p.Tyr74Ter)

Gene: GRM6 (glutamate metabotropic receptor 6; minus strand). Cytogenetic location: 5q35.3.
Variant type: single nucleotide variant.
Coding change: c.222C>A on transcript NM_000843.4 (MANE Select); coding-DNA position 222, C replaced by A.
Protein change: p.Tyr74Ter; replaces tyrosine 74 with a stop codon.
Molecular consequence: nonsense.
Genome position (GRCh38, 1-based): chr5:178,994,723, G>T on the plus strand (C>A on the coding strand, the complement: GRM6 is on the minus strand). VCF-style: chr5-178994723-G-T. GRCh37 (hg19) VCF-style: chr5-178421724-G-T.
Other names: short protein forms Y74*.
Identifiers: ClinVar variation 1449932 (VCV001449932.6), dbSNP rs778393434, ClinGen allele CA362436822.

ClinVar aggregate classification (germline): Pathogenic (1 of 4 stars; one submission).

Submission:

Labcorp Genetics (formerly Invitae), Labcorp
Classification: Pathogenic. Last evaluated: 2022-08-13. Review status: criteria provided, single submitter. Criteria: Invitae Variant Classification Sherloc (09022015). Collection method: clinical testing. Allele origin: germline.
Comment: This sequence change creates a premature translational stop signal (p.Tyr74*) in the GRM6 gene. It is expected to result in an absent or disrupted protein product. Loss-of-function variants in GRM6 are known to be pathogenic (PMID: 15781871, 16622103, 22008250). This variant is not present in population databases (gnomAD no frequency). This variant has not been reported in the literature in individuals affected with GRM6-related conditions. ClinVar contains an entry for this variant (Variation ID: 1449932). Algorithms developed to predict the effect of sequence changes on RNA splicing suggest that this variant may create or strengthen a splice site. For these reasons, this variant has been classified as Pathogenic.

Literature cited by the submitters: PubMed 15781871; PubMed 16622103; PubMed 22008250.